The following is an entry in ClinVar:

ClinVar aggregate classification (germline): Conflicting classifications of pathogenicity. Review status: criteria provided, conflicting classifications (1 of 4 stars). 6 submissions from 6 submitters: Uncertain significance (1); Benign (4); Likely benign (1). Last evaluated 2025-02-16.

Conditions:
Spinocerebellar ataxia 42, early-onset, severe, with neurodevelopmental deficits. Identifiers: MedGen C4748120, MONDO:0060758, OMIM 618087.

Submissions (6):

Laboratory of Genetics, Children's Clinical University Hospital Latvia
Classification: Benign. Last evaluated: 2025-02-16. Review status: criteria provided, single submitter. Criteria: ACMG Guidelines, 2015. Collection method: clinical testing. Allele origin: germline. Affected: yes.

Blueprint Genetics
Classification: Likely benign. Last evaluated: 2024-11-27. Review status: criteria provided, single submitter. Criteria: ACMG Guidelines, 2015. Collection method: clinical testing. Allele origin: germline.

Mayo Clinic Laboratories, Mayo Clinic
Classification: Benign. Last evaluated: 2023-03-24. Review status: criteria provided, single submitter. Criteria: ACMG Guidelines, 2015. Collection method: clinical testing. Allele origin: germline. Observed: 23 variant alleles.
Comment: BP4, BP7, PM2_moderate

Mendelics
Classification: Benign. Last evaluated: 2022-05-04. Review status: criteria provided, single submitter. Criteria: Mendelics Assertion Criteria 2019. Collection method: clinical testing. Allele origin: germline.

Labcorp Genetics (formerly Invitae), Labcorp
Classification: Benign. Last evaluated: 2019-12-31. Review status: criteria provided, single submitter. Criteria: Invitae Variant Classification Sherloc (09022015). Collection method: clinical testing. Allele origin: germline.

Institute of Human Genetics, University of Leipzig Medical Center
Classification: Uncertain significance for Spinocerebellar ataxia 42, early-onset, severe, with neurodevelopmental deficits. Last evaluated: 2019-01-01. Review status: criteria provided, single submitter. Criteria: ACMG Guidelines, 2015. Collection method: clinical testing. Allele origin: unknown. Affected: yes.

NM_018896.5(CACNA1G):c.354+5GT[13]

Gene: CACNA1G (calcium voltage-gated channel subunit alpha1 G; plus strand). Cytogenetic location: 17q21.33.
Variant type: Microsatellite.
Coding change: c.354+5GT[13] on transcript NM_018896.5 (MANE Select); 13 copies in a row of the 2-base unit GT starting at c.354+5; the reference has 15 copies in a row; two copies, 4 bases deleted.
Molecular consequence: intron variant.
Genome position (GRCh38, 1-based): chr17:50,569,012-50,569,015, GTGT deleted; deleting any 4 consecutive bases within chr17:50,568,986-50,569,015 gives the same sequence; the position shown is the placement nearest the transcript's 3' end. VCF-style (leftmost placement, unchanged base first): chr17-50568985-AGTGT-A. GRCh37 (hg19) VCF-style: chr17-48646346-AGTGT-A.
Other names: p.?; c.354+5GT[13] (NM_001256325.2, NM_198377.3, NM_198380.3 and 24 more transcripts); c.354+5_354+8del (NM_018896.4); c.354+31_354+34del (NM_018896.5).
Identifiers: ClinVar variation 775326 (VCV000775326.9), dbSNP rs3833150, ClinGen allele CA291589431.